The following is an entry in ClinVar:

ClinVar aggregate classification (germline): Uncertain significance (1 of 4 stars; one submission).

Conditions:
Menkes kinky-hair syndrome (MNK). Also called: Menkes Disease; Copper transport disease; Classic Menkes Disease. Identifiers: Orphanet 565, MedGen C0022716, MONDO:0010651, OMIM 309400.
Cutis laxa, X-linked (OHS). Also called: EDS IX; Occipital horn syndrome. Identifiers: Orphanet 198, MedGen C0268353, MONDO:0010572, OMIM 304150.
X-linked distal spinal muscular atrophy type 3. Also called: ATP7A-Related Distal Motor Neuropathy; SPINAL MUSCULAR ATROPHY, DISTAL, X-LINKED RECESSIVE; NEURONOPATHY, DISTAL HEREDITARY MOTOR, X-LINKED; NEUROPATHY, DISTAL HEREDITARY MOTOR, X-LINKED. Identifiers: Orphanet 139557, MedGen C1845359, MONDO:0010338, OMIM 300489.

Submission:

Labcorp Genetics (formerly Invitae), Labcorp
Classification: Uncertain significance for X-linked distal spinal muscular atrophy type 3; Cutis laxa, X-linked; Menkes kinky-hair syndrome. Last evaluated: 2025-09-17. Review status: criteria provided, single submitter. Criteria: Invitae Variant Classification Sherloc (09022015). Collection method: clinical testing. Allele origin: germline.
Comment: This sequence change affects codon 1224 of the ATP7A mRNA. It is a 'silent' change, meaning that it does not change the encoded amino acid sequence of the ATP7A protein. This variant is not present in population databases (gnomAD no frequency). This variant has not been reported in the literature in individuals affected with ATP7A-related conditions. Algorithms developed to predict the effect of sequence changes on RNA splicing suggest that this variant may disrupt the consensus splice site. In summary, the available evidence is currently insufficient to determine the role of this variant in disease. Therefore, it has been classified as a Variant of Uncertain Significance.

NM_000052.7(ATP7A):c.3672C>G (p.Gly1224=)

Gene: ATP7A (ATPase copper transporting alpha; plus strand). Cytogenetic location: Xq21.1.
Variant type: single nucleotide variant.
Coding change: c.3672C>G on transcript NM_000052.7 (MANE Select); coding-DNA position 3672, C replaced by G.
Protein change: p.Gly1224=; no amino-acid change (glycine 1224 retained).
Molecular consequence: synonymous variant. On other transcripts: non-coding transcript variant (1).
Genome position (GRCh38, 1-based): chrX:78,040,604, C>G. VCF-style: chrX-78040604-C-G. GRCh37 (hg19) VCF-style: chrX-77296102-C-G.
Other names: c.3438C>G, p.Gly1146= (NM_001282224.2).
Identifiers: ClinVar variation 4791342 (VCV004791342.1).